The following is an entry in ClinVar:

ClinVar aggregate classification (germline): Likely benign (0 of 4 stars; one submission).

Conditions:
NRP2-related disorder. Also called: NRP2-related condition.

Allele frequency attached by ClinVar (database versions not stated): TOPMed 0.00001; gnomAD 0.00004; gnomAD exomes 0.00007; 1000 Genomes Project 30x 0.00016; 1000 Genomes Project 0.00020; ExAC 0.00021.
gnomAD v4.1: 109 of 1,614,162 alleles (0.0068%); highest among the groups gnomAD compares: South Asian, 0.11%; 1 homozygote.

Submission:

PreventionGenetics, part of Exact Sciences
Classification: Likely benign for NRP2-related condition. Last evaluated: 2021-07-27. Review status: no assertion criteria provided. Collection method: clinical testing. Allele origin: germline.
Comment: This variant is classified as likely benign based on ACMG/AMP sequence variant interpretation guidelines (Richards et al. 2015 PMID: 25741868, with internal and published modifications).

NM_003872.3(NRP2):c.2046T>C (p.Asp682=)

Gene: NRP2 (neuropilin 2; plus strand). Cytogenetic location: 2q33.3.
Variant type: single nucleotide variant.
Coding change: c.2046T>C on transcript NM_003872.3 (MANE Select); coding-DNA position 2046, T replaced by C.
Protein change: p.Asp682=; no amino-acid change (aspartic acid 682 retained).
Molecular consequence: synonymous variant.
Genome position (GRCh38, 1-based): chr2:205,763,675, T>C. VCF-style: chr2-205763675-T-C. GRCh37 (hg19) VCF-style: chr2-206628399-T-C.
Other names: c.2046T>C, p.Asp682= (NM_018534.4, NM_201266.2, NM_201267.2 and 1 more transcripts).
Identifiers: ClinVar variation 3030291 (VCV003030291.2), dbSNP rs200747519, ClinGen allele CA2069310.